The following is an entry in ClinVar:

NM_152564.5(VPS13B):c.2543C>T (p.Thr848Ile)

Gene: VPS13B (vacuolar protein sorting 13 homolog B; plus strand). Cytogenetic location: 8q22.2.
Variant type: single nucleotide variant.
Coding change: c.2543C>T on transcript NM_152564.5 (MANE Select); coding-DNA position 2543, C replaced by T.
Protein change: p.Thr848Ile; replaces threonine 848 with isoleucine.
Molecular consequence: missense variant.
Genome position (GRCh38, 1-based): chr8:99,274,225, C>T. VCF-style: chr8-99274225-C-T. GRCh37 (hg19) VCF-style: chr8-100286453-C-T.
Other names: c.2543C>T, p.Thr848Ile (NM_017890.5); short protein forms T848I.
Identifiers: ClinVar variation 862546 (VCV000862546.5), dbSNP rs1818769668, ClinGen allele CA371862149.

ClinVar aggregate classification (germline): Uncertain significance. Review status: criteria provided, single submitter (1 of 4 stars). 2 submissions from 2 submitters: Uncertain significance (1). 1 of the submissions does not count toward it. Last evaluated 2019-04-24.

Conditions:
Cohen syndrome (COH1). Also called: PEPPER SYNDROME; Cutis verticis gyrata, retinitis pigmentosa, and sensorineural deafness. Identifiers: Orphanet 193, MedGen C0265223, MONDO:0008999, OMIM 216550.

Allele frequency attached by ClinVar (database versions not stated): gnomAD exomes below 0.00001.
gnomAD v4.1: 1 of 1,614,106 alleles (0.000062%); highest among the groups gnomAD compares: Non-Finnish European, 0.000085%; no homozygotes.

Submissions (2):

Labcorp Genetics (formerly Invitae), Labcorp
Classification: Uncertain significance for Cohen syndrome. Last evaluated: 2019-04-24. Review status: criteria provided, single submitter. Criteria: Invitae Variant Classification Sherloc (09022015). Collection method: clinical testing. Allele origin: germline.
Comment: This sequence change replaces threonine with isoleucine at codon 848 of the VPS13B protein (p.Thr848Ile). The threonine residue is weakly conserved and there is a moderate physicochemical difference between threonine and isoleucine. This variant is not present in population databases (ExAC no frequency). This variant has not been reported in the literature in individuals with VPS13B-related conditions. Algorithms developed to predict the effect of missense changes on protein structure and function (SIFT, PolyPhen-2, Align-GVGD) all suggest that this variant is likely to be tolerated, but these predictions have not been confirmed by published functional studies and their clinical significance is uncertain. In summary, the available evidence is currently insufficient to determine the role of this variant in disease. Therefore, it has been classified as a Variant of Uncertain Significance.

Natera, Inc.
Classification: Uncertain significance for Cohen syndrome. Last evaluated: 2021-03-18. Review status: no assertion criteria provided. Collection method: clinical testing. Allele origin: germline. Not counted in ClinVar's aggregate classification.